The following is an entry in ClinVar:

ClinVar aggregate classification (germline): Uncertain significance (1 of 4 stars; one submission).

Submission:

Dasa
Classification: Uncertain significance. Last evaluated: 2024-11-14. Review status: criteria provided, single submitter. Criteria: DASA Assertion Criteria. Collection method: clinical testing. Allele origin: germline.
Comment: NM_001366145.2(TRPM3):c.829A>G (p.Asn277Asp) is a missense variant that results in the substitution of asparagine with aspartic acid. This variant is absent from population databases. Computational prediction algorithms are consistent with a benign effect. The currently available literature and clinical evidence are not sufficient to establish a definitive association between this variant and the reported condition. Therefore, this variant is classified as a variant of uncertain significance.

NM_001366145.2(TRPM3):c.829A>G (p.Asn277Asp)

Gene: TRPM3 (transient receptor potential cation channel subfamily M member 3; minus strand). Cytogenetic location: 9q21.12.
Variant type: single nucleotide variant.
Coding change: c.829A>G on transcript NM_001366145.2 (MANE Select); coding-DNA position 829, A replaced by G.
Protein change: p.Asn277Asp; replaces asparagine 277 with aspartic acid.
Molecular consequence: missense variant.
Genome position (GRCh38, 1-based): chr9:70,827,991, T>C on the plus strand (A>G on the coding strand, the complement: TRPM3 is on the minus strand). VCF-style: chr9-70827991-T-C. GRCh37 (hg19) VCF-style: chr9-73442907-T-C.
Other names: c.829A>G, p.Asn277Asp (NM_001366152.2, NM_001366153.2, NM_001366146.2 and 6 more transcripts); c.370A>G, p.Asn124Asp (NM_001366154.2, NM_020952.6, NM_024971.7 and 6 more transcripts); c.835A>G, p.Asn279Asp (NM_001366142.2, NM_001366143.2, NM_001366144.2 and 1 more transcripts); short protein forms N124D, N277D, N279D.
Identifiers: ClinVar variation 4881530 (VCV004881530.2).
Genomic context (GRCh38, chr9:70,827,991, plus strand): 5'-TGTCAGCCAGAATGAAGTGGGAATGCATGCTGTTGAGAACAGTGAGCTTGCTCATGGGAT[T>C]GGACATGGTCTGGTATGGCCGGACAACCTGCAGGGTATCAAATGGAAGAGGCAGAAGTCA-3'
Protein context (NP_001353074.1, residues 267-287): DVVRPYQTMS[Asn277Asp]PMSKLTVLNS